The following is an entry in ClinVar:

ClinVar aggregate classification (germline): Benign/Likely benign. Review status: criteria provided, multiple submitters, no conflicts (2 of 4 stars). 6 submissions from 6 submitters: Benign (5); Likely benign (1). Last evaluated 2026-02-04.

Conditions:
Imerslund-Grasbeck syndrome type 1 (IGS1). Also called: Megaloblastic anemia 1, Finnish type; MEGALOBLASTIC ANEMIA, 1; Imerslund-Gräsbeck syndrome 1. Identifiers: MedGen C4016819, MONDO:0100156, OMIM 261100.
Imerslund-Grasbeck syndrome. Also called: Megaloblastic anemia due to inborn errors of metabolism; Imerslund-Gräsbeck syndrome; ENTEROCYTE COBALAMIN MALABSORPTION; ENTEROCYTE INTRINSIC FACTOR RECEPTOR, DEFECT OF; PERNICIOUS ANEMIA, JUVENILE, DUE TO SELECTIVE INTESTINAL MALABSORPTION OF VITAMIN B12, WITH PROTEINURIA. Identifiers: Orphanet 35858, MedGen C4551825, MONDO:0009853.

Allele frequency attached by ClinVar (database versions not stated): 1000 Genomes Project 30x 0.00750; gnomAD 0.00977 and 0.01006; 1000 Genomes Project 0.00639; ESP Exome Variant Server 0.01007; TOPMed 0.01037; ExAC 0.01203.
gnomAD v4.1: 20,646 of 1,613,244 alleles (1.3%); highest among the groups gnomAD compares: Admixed American, 2.2%; 176 homozygotes.

Submissions (6):

Labcorp Genetics (formerly Invitae), Labcorp
Classification: Benign for Imerslund-Grasbeck syndrome. Last evaluated: 2026-02-04. Review status: criteria provided, single submitter. Criteria: Invitae Variant Classification Sherloc (09022015). Collection method: clinical testing. Allele origin: germline.

Mayo Clinic Laboratories, Mayo Clinic
Classification: Likely benign. Last evaluated: 2025-07-29. Review status: criteria provided, single submitter. Criteria: ACMG Guidelines, 2015. Collection method: clinical testing. Allele origin: germline. Observed: 6 variant alleles.
Comment: BA1, BP4

ARUP Laboratories, Molecular Genetics and Genomics, ARUP Laboratories
Classification: Benign. Last evaluated: 2025-04-16. Review status: criteria provided, single submitter. Criteria: ARUP Molecular Germline Variant Investigation Process 2024. Collection method: clinical testing. Allele origin: germline.

GeneDx
Classification: Benign. Last evaluated: 2020-04-07. Review status: criteria provided, single submitter. Criteria: GeneDx Variant Classification Process June 2021. Collection method: clinical testing. Allele origin: germline. Affected: yes.
Comment: This variant is associated with the following publications: (PMID: 30220432)

Illumina Laboratory Services, Illumina
Classification: Benign for Imerslund-Grasbeck syndrome type 1. Last evaluated: 2018-01-12. Review status: criteria provided, single submitter. Criteria: ICSL Variant Classification Criteria 13 December 2019. Collection method: clinical testing. Allele origin: germline.
Comment: This variant was observed in the ICSL laboratory as part of a predisposition screen in an ostensibly healthy population. It had not been previously curated by ICSL or reported in the Human Gene Mutation Database (HGMD: prior to June 1st, 2018), and was therefore a candidate for classification through an automated scoring system. Utilizing variant allele frequency, disease prevalence and penetrance estimates, and inheritance mode, an automated score was calculated to assess if this variant is too frequent to cause the disease. Based on the score and internal cut-off values, a variant classified as benign is not then subjected to further curation. The score for this variant resulted in a classification of benign for this disease.

Breakthrough Genomics
Classification: Benign. Review status: criteria provided, single submitter. Criteria: ACMG Guidelines, 2015. Collection method: not provided. Allele origin: germline. Inheritance: Autosomal recessive inheritance. Affected: yes.

Literature cited by the submitters: PubMed 30220432 (cited by Mayo Clinic Laboratories, Mayo Clinic).

NM_001081.4(CUBN):c.8741C>T (p.Ala2914Val)

Gene: CUBN (cubilin; minus strand). Cytogenetic location: 10p13.
Variant type: single nucleotide variant.
Coding change: c.8741C>T on transcript NM_001081.4 (MANE Select); coding-DNA position 8741, C replaced by T.
Protein change: p.Ala2914Val; replaces alanine 2914 with valine.
Molecular consequence: missense variant.
Genome position (GRCh38, 1-based): chr10:16,890,385, G>A on the plus strand (C>T on the coding strand, the complement: CUBN is on the minus strand). VCF-style: chr10-16890385-G-A. GRCh37 (hg19) VCF-style: chr10-16932384-G-A.
Other names: short protein forms A2914V.
Identifiers: ClinVar variation 299395 (VCV000299395.24), dbSNP rs45551835, ClinGen allele CA5422934.